The following is an entry in ClinVar:

ClinVar aggregate classification (germline): Uncertain significance (1 of 4 stars; one submission).

Submission:

Ambry Genetics
Classification: Uncertain significance. Last evaluated: 2025-05-04. Review status: criteria provided, single submitter. Criteria: Ambry Variant Classification Scheme 2023. Collection method: clinical testing. Allele origin: germline.
Comment: The p.Q24L variant (also known as c.71A>T), located in coding exon 1 of the MLH3 gene, results from an A to T substitution at nucleotide position 71. The glutamine at codon 24 is replaced by leucine, an amino acid with dissimilar properties. This amino acid position is conserved. In addition, the in silico prediction for this alteration is inconclusive. Since supporting evidence is limited at this time, the clinical significance of this alteration remains unclear.

NM_001040108.2(MLH3):c.71A>T (p.Gln24Leu)

Gene: MLH3 (mutL homolog 3; minus strand). Cytogenetic location: 14q24.3.
Variant type: single nucleotide variant.
Coding change: c.71A>T on transcript NM_001040108.2 (MANE Select); coding-DNA position 71, A replaced by T.
Protein change: p.Gln24Leu; replaces glutamine 24 with leucine.
Molecular consequence: missense variant.
Genome position (GRCh38, 1-based): chr14:75,049,585, T>A on the plus strand (A>T on the coding strand, the complement: MLH3 is on the minus strand). VCF-style: chr14-75049585-T-A. GRCh37 (hg19) VCF-style: chr14-75516288-T-A.
Other names: c.71A>T, p.Gln24Leu (NM_014381.3); short protein forms Q24L.
Identifiers: ClinVar variation 1757643 (VCV001757643.3), dbSNP rs2139614337, ClinGen allele CA390451755.
Genomic context (GRCh38, chr14:75,049,585, plus strand): 5'-CTGACAGCCACACATTTTGCTTCAGCATCAATACTGTTGAGGGCAAGTTCCTCAACACAT[T>A]GGCCCAAGGAGCTTATGGCCAAACCAGAACGCAATTTGGCTTGTACTTCAACTGACAAGC-3'
Protein context (NP_001035197.1, residues 14-34): RSGLAISSLG[Gln24Leu]CVEELALNSI